The following is an entry in ClinVar:

NM_000381.4(MID1):c.689T>G (p.Leu230Arg)

Gene: MID1 (midline 1; minus strand). Cytogenetic location: Xp22.2.
Variant type: single nucleotide variant.
Coding change: c.689T>G on transcript NM_000381.4 (MANE Select); coding-DNA position 689, T replaced by G.
Protein change: p.Leu230Arg; replaces leucine 230 with arginine.
Molecular consequence: missense variant.
Genome position (GRCh38, 1-based): chrX:10,523,159, A>C on the plus strand (T>G on the coding strand, the complement: MID1 is on the minus strand). VCF-style: chrX-10523159-A-C. GRCh37 (hg19) VCF-style: chrX-10491199-A-C.
Other names: c.689T>G, p.Leu230Arg (NM_001098624.2, NM_001193277.1, NM_001193278.1 and 3 more transcripts); c.575T>G, p.Leu192Arg (NM_001193280.1, NM_033289.2); short protein forms L192R, L230R.
Identifiers: ClinVar variation 3364723 (VCV003364723.1).

ClinVar aggregate classification (germline): Uncertain significance (1 of 4 stars; one submission).

Submission:

GeneDx
Classification: Uncertain significance. Last evaluated: 2023-11-26. Review status: criteria provided, single submitter. Criteria: GeneDx Variant Classification Process June 2021. Collection method: clinical testing. Allele origin: germline. Affected: yes.
Comment: Has not been previously published as pathogenic or benign to our knowledge; Not observed at significant frequency in large population cohorts (gnomAD); In silico analysis supports that this missense variant has a deleterious effect on protein structure/function